The following is an entry in ClinVar:

NM_004068.4(AP2M1):c.655A>C (p.Lys219Gln)

Gene: AP2M1 (adaptor related protein complex 2 subunit mu 1; plus strand). Cytogenetic location: 3q27.1.
Variant type: single nucleotide variant.
Coding change: c.655A>C on transcript NM_004068.4 (MANE Select); coding-DNA position 655, A replaced by C.
Protein change: p.Lys219Gln; replaces lysine 219 with glutamine.
Molecular consequence: missense variant.
Genome position (GRCh38, 1-based): chr3:184,181,174, A>C. VCF-style: chr3-184181174-A-C. GRCh37 (hg19) VCF-style: chr3-183898962-A-C.
Other names: c.649A>C, p.Lys217Gln (NM_001025205.2); c.730A>C, p.Lys244Gln (NM_001311198.2); short protein forms K217Q, K244Q, K219Q.
Identifiers: ClinVar variation 4713350 (VCV004713350.1).
Genomic context (GRCh38, chr3:184,181,174, plus strand): 5'-CGGGTGGTGATGAAGAGCTACCTGAGTGGCATGCCTGAATGCAAGTTTGGGATGAATGAC[A>C]AGATTGTTATTGAAAAGCAGGGCAAAGGCACAGCTGATGAAACAAGCAAGAGGTGCCTGA-3'
Protein context (NP_004059.2, residues 209-229): MPECKFGMND[Lys219Gln]IVIEKQGKGT

ClinVar aggregate classification (germline): Uncertain significance (1 of 4 stars; one submission).

Submission:

Labcorp Genetics (formerly Invitae), Labcorp
Classification: Uncertain significance. Last evaluated: 2025-02-18. Review status: criteria provided, single submitter. Criteria: Invitae Variant Classification Sherloc (09022015). Collection method: clinical testing. Allele origin: germline.
Comment: This sequence change replaces lysine, which is basic and polar, with glutamine, which is neutral and polar, at codon 219 of the AP2M1 protein (p.Lys219Gln). This variant is not present in population databases (gnomAD no frequency). This variant has not been reported in the literature in individuals affected with AP2M1-related conditions. An algorithm developed to predict the effect of missense changes on protein structure and function (PolyPhen-2) suggests that this variant is likely to be disruptive. In summary, the available evidence is currently insufficient to determine the role of this variant in disease. Therefore, it has been classified as a Variant of Uncertain Significance.